The following is an entry in ClinVar:

NM_000256.3(MYBPC3):c.1396A>G (p.Met466Val)

Gene: MYBPC3 (myosin binding protein C3; minus strand). Cytogenetic location: 11p11.2.
Variant type: single nucleotide variant.
Coding change: c.1396A>G on transcript NM_000256.3 (MANE Select); coding-DNA position 1396, A replaced by G.
Protein change: p.Met466Val; replaces methionine 466 with valine.
Molecular consequence: missense variant.
Genome position (GRCh38, 1-based): chr11:47,342,891, T>C on the plus strand (A>G on the coding strand, the complement: MYBPC3 is on the minus strand). VCF-style: chr11-47342891-T-C. GRCh37 (hg19) VCF-style: chr11-47364442-T-C.
Other names: short protein forms M466V.
Identifiers: ClinVar variation 1171117 (VCV001171117.3), dbSNP rs2142861425, ClinGen allele CA380326087.
Genomic context (GRCh38, chr11:47,342,891, plus strand): 5'-ATTTGACTTGCGCCCCCTCCTCCGATACTTCACACTCAAACTCCACCCGCTGCCCCACCA[T>C]CACCAGCTGGTCCTCCAAGGGGCGCGTGATGAGCACAGGGGGCTCTGTCCAGGCAGGGTG-3'
Protein context (NP_000247.2, residues 456-476): ITRPLEDQLV[Met466Val]VGQRVEFECE

ClinVar aggregate classification (germline): Uncertain significance (1 of 4 stars; one submission).

Conditions:
Cardiomyopathy (CMYO). Also called: Cardiomyopathies. Identifiers: Orphanet 167848, MedGen C0878544, MONDO:0004994, HP:0001638. Inheritance: Various modes of inheritance.

Submission:

Color Diagnostics, LLC DBA Color Health
Classification: Uncertain significance for Cardiomyopathy. Last evaluated: 2024-03-06. Review status: criteria provided, single submitter. Criteria: ACMG Guidelines, 2015. Collection method: clinical testing. Allele origin: germline.
Comment: This missense variant replaces methionine with valine at codon 466 of the MYBPC3 protein. Computational prediction suggests that this variant may not impact protein structure and function (internally defined REVEL score threshold <= 0.5, PMID: 27666373). To our knowledge, functional studies have not been reported for this variant. This variant has not been reported in individuals affected with cardiovascular disorders in the literature. This variant has not been identified in the general population by the Genome Aggregation Database (gnomAD). The available evidence is insufficient to determine the role of this variant in disease conclusively. Therefore, this variant is classified as a Variant of Uncertain Significance.